The following is an entry in ClinVar:

ClinVar aggregate classification (germline): Uncertain significance (1 of 4 stars; one submission).

Allele frequency attached by ClinVar (database versions not stated): gnomAD exomes below 0.00001.
gnomAD v4.1: 2 of 1,614,216 alleles (0.00012%); highest among the groups gnomAD compares: Non-Finnish European, 0.00017%; no homozygotes.

Submission:

CeGaT Center for Human Genetics Tuebingen
Classification: Uncertain significance. Last evaluated: 2022-07-01. Review status: criteria provided, single submitter. Criteria: CeGaT Center For Human Genetics Tuebingen Variant Classification Criteria Version 2. Collection method: clinical testing. Allele origin: germline. Affected: yes. Observed: 1 variant allele.
Comment: SETX: PM2, BP4

NM_015046.7(SETX):c.5026T>C (p.Phe1676Leu)

Gene: SETX (senataxin; minus strand). Cytogenetic location: 9q34.13.
Variant type: single nucleotide variant.
Coding change: c.5026T>C on transcript NM_015046.7 (MANE Select); coding-DNA position 5026, T replaced by C.
Protein change: p.Phe1676Leu; replaces phenylalanine 1676 with leucine.
Molecular consequence: missense variant.
Genome position (GRCh38, 1-based): chr9:132,326,572, A>G on the plus strand (T>C on the coding strand, the complement: SETX is on the minus strand). VCF-style: chr9-132326572-A-G. GRCh37 (hg19) VCF-style: chr9-135201959-A-G.
Other names: c.5026T>C, p.Phe1676Leu (NM_001351527.2, NM_001351528.2); short protein forms F1676L.
Identifiers: ClinVar variation 2659652 (VCV002659652.24), dbSNP rs2539088840, ClinGen allele CA375322468.